The following is an entry in ClinVar:

ClinVar aggregate classification (germline): Likely pathogenic (1 of 4 stars; one submission).

Submission:

GeneDx
Classification: Likely pathogenic. Last evaluated: 2015-07-28. Review status: criteria provided, single submitter. Criteria: GeneDx Variant Classification (06012015). Collection method: clinical testing. Allele origin: germline. Affected: yes.
Comment: The V429L variant in the ACVRL1 gene has not been published as a pathogenic variant, nor has it been reported as a benign polymorphism to our knowledge. The V429L variant was not observed in approximately 6,500 individuals of European and African American ancestry in the NHLBI Exome Sequencing Project, indicating it is not a common benign variant in these populations. The V429L variant is a conservative amino acid substitution, which is not likely to impact secondary protein structure as these residues share similar properties. This substitution occurs at a position where amino acids with similar properties to Valine are tolerated across species. In silico analysis predicts this variant is probably damaging to the protein structure/function. Missense variants in nearby residues (P424T/S/L/R, F425V/L, Y426C, D427V, P433S/R) have been reported in the Human Gene Mutation Database in association with hemorrhagic telangiectasia (Stenson et al., 2014), supporting the functional importance of this region of the protein. The V429L variant is a strong candidate for a disease-causing variant however, the possibility it may be a rare benign variant cannot be excluded.

NM_000020.3(ACVRL1):c.1285G>T (p.Val429Leu)

Gene: ACVRL1 (activin A receptor like type 1; plus strand). Cytogenetic location: 12q13.13.
Variant type: single nucleotide variant.
Coding change: c.1285G>T on transcript NM_000020.3 (MANE Select); coding-DNA position 1285, G replaced by T.
Protein change: p.Val429Leu; replaces valine 429 with leucine.
Molecular consequence: missense variant.
Genome position (GRCh38, 1-based): chr12:51,919,023, G>T. VCF-style: chr12-51919023-G-T. GRCh37 (hg19) VCF-style: chr12-52312807-G-T.
Other names: c.1285G>T, p.Val429Leu (NM_001077401.2); short protein forms V429L.
Identifiers: ClinVar variation 429265 (VCV000429265.2), dbSNP rs1131691286, ClinGen allele CA384903827.